The following is an entry in ClinVar:

NM_001258392.3(CLPB):c.1803G>A (p.Val601=)

Gene: CLPB (ClpB family mitochondrial disaggregase; minus strand). Cytogenetic location: 11q13.4.
Variant type: single nucleotide variant.
Coding change: c.1803G>A on transcript NM_001258392.3 (MANE Select); coding-DNA position 1803, G replaced by A.
Protein change: p.Val601=; no amino-acid change (valine 601 retained).
Molecular consequence: synonymous variant.
Genome position (GRCh38, 1-based): chr11:72,293,598, C>T on the plus strand (G>A on the coding strand, the complement: CLPB is on the minus strand). VCF-style: chr11-72293598-C-T. GRCh37 (hg19) VCF-style: chr11-72004642-C-T.
Other names: c.1716G>A, p.Val572= (NM_001258393.3); c.1758G>A, p.Val586= (NM_001258394.3); c.1893G>A, p.Val631= (NM_030813.6).
Identifiers: ClinVar variation 1032237 (VCV001032237.6), dbSNP rs766600801, ClinGen allele CA6171018.

ClinVar aggregate classification (germline): Conflicting classifications of pathogenicity. Review status: criteria provided, conflicting classifications (1 of 4 stars). 2 submissions from 2 submitters: Uncertain significance (1); Likely benign (1). Last evaluated 2024-12-28.

Conditions:
3-methylglutaconic aciduria, type VIIB (MGCA7B). Also called: 3-methylglutaconic aciduria, type VII, with cataracts, neurologic involvement and neutropenia; 3-methylglutaconic aciduria with cataracts, neurologic involvement and neutropenia; CLPB Deficiency. Identifiers: Orphanet 445038, MedGen C5676893, MONDO:0014561, OMIM 616271.

Allele frequency attached by ClinVar (database versions not stated): gnomAD exomes 0.00001 and 0.00002; ExAC 0.00003; gnomAD 0.00007 and 0.00009; TOPMed 0.00009.
gnomAD v4.1: 26 of 1,612,102 alleles (0.0016%); highest among the groups gnomAD compares: African/African-American, 0.033%; no homozygotes.

Submissions (2):

Labcorp Genetics (formerly Invitae), Labcorp
Classification: Likely benign for 3-methylglutaconic aciduria, type VIIB. Last evaluated: 2024-12-28. Review status: criteria provided, single submitter. Criteria: Invitae Variant Classification Sherloc (09022015). Collection method: clinical testing. Allele origin: germline.

Baylor Genetics
Classification: Uncertain significance for 3-methylglutaconic aciduria, type VIIB. Last evaluated: 2018-11-02. Review status: criteria provided, single submitter. Criteria: ACMG Guidelines, 2015. Collection method: clinical testing. Allele origin: maternal. Affected: yes.
Comment: This variant was determined to be of uncertain significance according to ACMG Guidelines, 2015 [PMID:25741868].